The following is an entry in ClinVar:

ClinVar aggregate classification (germline): Uncertain significance (1 of 4 stars; one submission).

Conditions:
Familial hemiplegic migraine. Identifiers: MedGen C0338484, MONDO:0000700.

Submission:

Labcorp Genetics (formerly Invitae), Labcorp
Classification: Uncertain significance for Familial hemiplegic migraine. Last evaluated: 2023-08-04. Review status: criteria provided, single submitter. Criteria: Invitae Variant Classification Sherloc (09022015). Collection method: clinical testing. Allele origin: germline.
Comment: In summary, the available evidence is currently insufficient to determine the role of this variant in disease. Therefore, it has been classified as a Variant of Uncertain Significance. Algorithms developed to predict the effect of sequence changes on RNA splicing suggest that this variant may create or strengthen a splice site. This variant has not been reported in the literature in individuals affected with ATP1A2-related conditions. This variant is not present in population databases (gnomAD no frequency). This sequence change falls in intron 5 of the ATP1A2 gene. It does not directly change the encoded amino acid sequence of the ATP1A2 protein.

NM_000702.4(ATP1A2):c.495+17_495+28dup

Gene: ATP1A2 (ATPase Na+/K+ transporting subunit alpha 2; plus strand). Cytogenetic location: 1q23.2.
Variant type: Duplication.
Coding change: c.495+17_495+28dup on transcript NM_000702.4 (MANE Select); bases 17 to 28 of the intron after coding-DNA position 495, 12 bases duplicated (GGGCTCTGGGCT).
Molecular consequence: intron variant.
Genome position (GRCh38, 1-based): chr1:160,124,073-160,124,084, GGGCTCTGGGCT duplicated; duplicating any 12 consecutive bases within chr1:160,124,068-160,124,084 gives the same sequence; the c. name uses the placement nearest the transcript's 3' end. VCF-style (leftmost placement, unchanged base first): chr1-160124067-A-AGGGCTGGGCTCT. GRCh37 (hg19) VCF-style: chr1-160093857-A-AGGGCTGGGCTCT.
Identifiers: ClinVar variation 2829205 (VCV002829205.3), dbSNP rs2524856504, ClinGen allele CA2739275362.